The following is an entry in ClinVar:

ClinVar aggregate classification (germline): Uncertain significance. Review status: criteria provided, multiple submitters, no conflicts (2 of 4 stars). 3 submissions from 3 submitters: Uncertain significance (3). Last evaluated 2025-08-19.

Conditions:
MASS syndrome (OCTD). Also called: MASS PHENOTYPE; OVERLAP CONNECTIVE TISSUE DISEASE. Identifiers: MedGen C1858556, MONDO:0011431, OMIM 604308.

Submissions (3):

Victorian Clinical Genetics Services, Murdoch Childrens Research Institute
Classification: Uncertain significance for MASS syndrome. Last evaluated: 2025-08-19. Review status: criteria provided, single submitter. Criteria: ACMG Guidelines, 2015. Collection method: clinical testing. Allele origin: germline. Affected: yes.
Comment: This variant is classified as VUS-3A. Evidence in support of pathogenic classification: Variant is absent from gnomAD (v2, v3 and v4); Missense variant predicted to be damaging by in silico tool(s) or highly conserved with a major amino acid change. Additional information: Variant is predicted to result in a missense amino acid change from Ile to Asn; This variant is heterozygous; This gene is predominantly associated with autosomal dominant disease; autosomal recessive forms of Marfan syndrome have rarely been reported (PMID: 27274304; 31950671); Alternative amino acid change(s) at the same position are present in gnomAD (v4: 1 heterozygote(s), 0 homozygote(s)); Previous evidence of pathogenicity for this variant is inconclusive. This variant has been classified as a VUS by a clinical laboratory in ClinVar; No published evidence of segregation with disease has been identified for this variant; No published functional evidence has been identified for this variant; Another missense variant(s) comparable to the one identified in this case has inconclusive previous evidence for pathogenicity. p.(Ile1757Thr) has been classified as a VUS by a clinical laboratory in ClinVar; Variant is not located in an established domain, motif, hotspot or informative constraint region; Dominant negative and loss of function are known mechanisms of disease in this gene and are associated with FBN1-related disease. Variants predicted to result in nonsense mediated decay cause loss of function effects, and are more commonly associated with severe Marfan syndrome (MIM#154700). Missense variants with both dominant negative and loss of function effects on protein function, are associated with Marfan syndrome and ectopia lentis (MIM#129600) (OMIM, PMID: 29357934). The exact genotype-phenotype correlation for this gene is still unclear, and is compounded by variable expressivity (PMID: 20301510); Variants in this gene are known to have variable expressivity. The genotype-phenotype correlations for this gene are unclear, with single variants reported in patients with a range of phenotypes (PMID: 20301510, OMIM); Inheritance information for this variant is not currently available in this individual.

Blueprint Genetics
Classification: Uncertain significance. Last evaluated: 2024-01-10. Review status: criteria provided, single submitter. Criteria: ACMG Guidelines, 2015. Collection method: clinical testing. Allele origin: germline.

GeneDx
Classification: Uncertain significance. Last evaluated: 2019-06-07. Review status: criteria provided, single submitter. Criteria: GeneDx Variant Classification Process June 2021. Collection method: clinical testing. Allele origin: germline. Affected: yes.
Comment: Not observed in large population cohorts (Lek et al., 2016); In silico analysis, which includes protein predictors and evolutionary conservation, supports a deleterious effect; Has not been previously published as pathogenic or benign to our knowledge

Literature cited by the submitters: PubMed 20301510 (cited by Victorian Clinical Genetics Services, Murdoch Childrens Research Institute); PubMed 29357934 (cited by Victorian Clinical Genetics Services, Murdoch Childrens Research Institute); PubMed 27274304 (cited by Victorian Clinical Genetics Services, Murdoch Childrens Research Institute).

NM_000138.5(FBN1):c.5270T>A (p.Ile1757Asn)

Gene: FBN1 (fibrillin 1; minus strand). Cytogenetic location: 15q21.1.
Variant type: single nucleotide variant.
Coding change: c.5270T>A on transcript NM_000138.5 (MANE Select); coding-DNA position 5270, T replaced by A.
Protein change: p.Ile1757Asn; replaces isoleucine 1757 with asparagine.
Molecular consequence: missense variant.
Genome position (GRCh38, 1-based): chr15:48,460,272, A>T on the plus strand (T>A on the coding strand, the complement: FBN1 is on the minus strand). VCF-style: chr15-48460272-A-T. GRCh37 (hg19) VCF-style: chr15-48752469-A-T.
Other names: short protein forms I1757N.
Identifiers: ClinVar variation 1306063 (VCV001306063.5), dbSNP rs2141264003, ClinGen allele CA392348005.